The following is an entry in ClinVar:

ClinVar aggregate classification (germline): Uncertain significance. Review status: criteria provided, multiple submitters, no conflicts (2 of 4 stars). 3 submissions from 3 submitters: Uncertain significance (3). Last evaluated 2021-12-19.

Conditions:
Cardiovascular phenotype. Identifiers: MedGen CN230736.
Alstrom syndrome (ALMS). Identifiers: Orphanet 64, MedGen C0268425, MONDO:0008763, OMIM 203800.

Allele frequency attached by ClinVar (database versions not stated): gnomAD exomes below 0.00001 and 0.00002; ExAC 0.00001.

Submissions (3):

Labcorp Genetics (formerly Invitae), Labcorp
Classification: Uncertain significance for Alstrom syndrome. Last evaluated: 2021-12-19. Review status: criteria provided, single submitter. Criteria: Invitae Variant Classification Sherloc (09022015). Collection method: clinical testing. Allele origin: germline.
Comment: This sequence change replaces valine, which is neutral and non-polar, with isoleucine, which is neutral and non-polar, at codon 2866 of the ALMS1 protein (p.Val2866Ile). This variant is present in population databases (rs780429128, gnomAD 0.002%). This variant has not been reported in the literature in individuals affected with ALMS1-related conditions. ClinVar contains an entry for this variant (Variation ID: 1303665). Experimental studies and prediction algorithms are not available or were not evaluated, and the functional significance of this variant is currently unknown. In summary, the available evidence is currently insufficient to determine the role of this variant in disease. Therefore, it has been classified as a Variant of Uncertain Significance.

Ambry Genetics
Classification: Uncertain significance for Cardiovascular phenotype. Last evaluated: 2021-03-25. Review status: criteria provided, single submitter. Criteria: Ambry Variant Classification Scheme 2023. Collection method: clinical testing. Allele origin: germline.
Comment: The p.V2866I variant (also known as c.8596G>A), located in coding exon 10 of the ALMS1 gene, results from a G to A substitution at nucleotide position 8596. The valine at codon 2866 is replaced by isoleucine, an amino acid with highly similar properties. This amino acid position is not well conserved in available vertebrate species, and isoleucine is the reference amino acid in other vertebrate species. In addition, this alteration is predicted to be tolerated by in silico analysis. Since supporting evidence is limited at this time, the clinical significance of this alteration remains unclear.

GeneDx
Classification: Uncertain significance. Last evaluated: 2019-07-17. Review status: criteria provided, single submitter. Criteria: GeneDx Variant Classification Process June 2021. Collection method: clinical testing. Allele origin: germline. Affected: yes.
Comment: Not observed at a significant frequency in large population cohorts (Lek et al., 2016); In silico analysis, which includes protein predictors and evolutionary conservation, supports that this variant does not alter protein structure/function; Has not been previously published as pathogenic or benign to our knowledge

NM_001378454.1(ALMS1):c.8593G>A (p.Val2865Ile)

Gene: ALMS1 (ALMS1 centrosome and basal body associated protein; plus strand). Cytogenetic location: 2p13.1.
Variant type: single nucleotide variant.
Coding change: c.8593G>A on transcript NM_001378454.1 (MANE Select); coding-DNA position 8593, G replaced by A.
Protein change: p.Val2865Ile; replaces valine 2865 with isoleucine.
Molecular consequence: missense variant.
Genome position (GRCh38, 1-based): chr2:73,490,552, G>A. VCF-style: chr2-73490552-G-A. GRCh37 (hg19) VCF-style: chr2-73717679-G-A.
Other names: c.8596G>A, p.Val2866Ile (NM_015120.4); short protein forms V2865I, V2866I.
Identifiers: ClinVar variation 1303665 (VCV001303665.5), dbSNP rs780429128, ClinGen allele CA1714498.